The following is an entry in ClinVar:

Conditions:
Arteriohepatic dysplasia. Also called: Alagille Syndrome. Identifiers: Orphanet 52, MedGen C0085280, MeSH D016738, MONDO:0007318.

Submission:

Gilbert/Spinner Lab, Children's Hospital of Philadelphia
No classification provided (evidence only). Condition: Alagille syndrome. Review status: no classification provided. Collection method: research. Allele origin: not applicable. Functional consequence: functionally_abnormal.
ClinVar note: "not provided" was previously submitted as the classification for the variant. However, the classification appeared to be based only on an observation of functional data so it was converted to no classification on 2025-07-30.

NM_000214.3(JAG1):c.812G>C (p.Cys271Ser)

Gene: JAG1 (jagged canonical Notch ligand 1; minus strand). Cytogenetic location: 20p12.2.
Variant type: single nucleotide variant.
Coding change: c.812G>C on transcript NM_000214.3 (MANE Select); coding-DNA position 812, G replaced by C.
Protein change: p.Cys271Ser; replaces cysteine 271 with serine.
Molecular consequence: missense variant.
Genome position (GRCh38, 1-based): chr20:10,652,542, C>G on the plus strand (G>C on the coding strand, the complement: JAG1 is on the minus strand). VCF-style: chr20-10652542-C-G. GRCh37 (hg19) VCF-style: chr20-10633190-C-G.
Other names: short protein forms C271S.
Identifiers: ClinVar variation 3573104 (VCV003573104.2).